The following is an entry in ClinVar:

ClinVar aggregate classification (germline): Uncertain significance (1 of 4 stars; one submission).

Submission:

GeneDx
Classification: Uncertain significance. Last evaluated: 2025-02-25. Review status: criteria provided, single submitter. Criteria: GeneDx Variant Classification Process June 2021. Collection method: clinical testing. Allele origin: germline.
Comment: Not observed at significant frequency in large population cohorts (gnomAD); In silico analysis is inconclusive as to whether the variant alters gene splicing. In the absence of RNA/functional studies, the actual effect of this sequence change is unknown.; Has not been previously published as pathogenic or benign to our knowledge

NM_018896.5(CACNA1G):c.6060+6T>A

Gene: CACNA1G (calcium voltage-gated channel subunit alpha1 G; plus strand). Cytogenetic location: 17q21.33.
Variant type: single nucleotide variant.
Coding change: c.6060+6T>A on transcript NM_018896.5 (MANE Select); 6 bases into the intron after coding-DNA position 6060, T replaced by A.
Molecular consequence: intron variant.
Genome position (GRCh38, 1-based): chr17:50,621,800, T>A. VCF-style: chr17-50621800-T-A. GRCh37 (hg19) VCF-style: chr17-48699161-T-A.
Other names: c.5803-2107T>A (NM_001256325.2); c.6027+6T>A (NM_198377.3); c.5892+1974T>A (NM_198380.3); c.5749-2107T>A (NM_198378.3, NM_001256334.2); c.5925+1974T>A (NM_198385.3); c.5782-2107T>A (NM_198384.3, NM_001256333.2); c.5761-2107T>A (NM_001256327.2); c.5871+1974T>A (NM_001256324.2); and 15 more.
Identifiers: ClinVar variation 3341032 (VCV003341032.2).